The following is an entry in ClinVar:

NM_001377.3(DYNC2H1):c.12805_12806del (p.Leu4269fs)

Gene: DYNC2H1 (dynein cytoplasmic 2 heavy chain 1; plus strand). Cytogenetic location: 11q22.3.
Variant type: Deletion.
Coding change: c.12805_12806del on transcript NM_001377.3 (MANE Select); coding-DNA positions 12805 to 12806, 2 bases deleted (TT; older notation c.12805_12806delTT).
Protein change: p.Leu4269fs; shifts the reading frame from leucine 4269.
Molecular consequence: frameshift variant.
Genome position (GRCh38, 1-based): chr11:103,479,134-103,479,135, TT deleted; deleting any 2 consecutive bases within chr11:103,479,133-103,479,135 gives the same sequence; the c. name uses the placement nearest the transcript's 3' end. VCF-style (leftmost placement, unchanged base first): chr11-103479132-CTT-C. GRCh37 (hg19) VCF-style: chr11-103349860-CTT-C.
Other names: c.12826_12827del, p.Leu4276fs (NM_001080463.2); short protein forms L4276fs, L4269fs.
Identifiers: ClinVar variation 5004471 (VCV005004471.1).

ClinVar aggregate classification (germline): Uncertain significance (1 of 4 stars; one submission).

Conditions:
Asphyxiating thoracic dystrophy 3. Also called: POLYDACTYLY WITH NEONATAL CHONDRODYSTROPHY, TYPE I; SHORT-RIB THORACIC DYSPLASIA 3 WITH OR WITHOUT POLYDACTYLY; SHORT-RIB THORACIC DYSPLASIA 3/6 WITH POLYDACTYLY, DIGENIC; Saldino-Noonan Syndrome; Short rib polydactyly syndrome 2B. Identifiers: Orphanet 474, Orphanet 93269, Orphanet 93270, Orphanet 93271, MedGen C0036069, MONDO:0013127, OMIM 613091.

Submission:

Myriad Genetics, Inc.
Classification: Uncertain significance for Asphyxiating thoracic dystrophy 3. Last evaluated: 2026-02-12. Review status: criteria provided, single submitter. Criteria: Myriad Autosomal Dominant, Autosomal Recessive and X-Linked Classification Criteria (2023). Collection method: clinical testing. Allele origin: unknown.
Comment: NM_001377.2(DYNC2H1):c.12805_12806delTT(L4269Afs*7) is a frameshift variant classified as a variant of uncertain significance in the context of DYNC2H1-related disorders. L4269Afs*7 has not been observed in cases with relevant disease. Relevant functional assessments of this variant are not available in the literature. L4269Afs*7 has not been observed in referenced population frequency databases. In summary, there is insufficient evidence to classify NM_001377.2(DYNC2H1):c.12805_12806delTT(L4269Afs*7) as pathogenic or benign. Please note: this variant was assessed in the context of healthy population screening.